The following is an entry in ClinVar:

ClinVar aggregate classification (germline): Uncertain significance (1 of 4 stars; one submission).

Allele frequency attached by ClinVar (database versions not stated): gnomAD 0.00001; gnomAD exomes 0.00001; ExAC 0.00002; TOPMed 0.00002.
gnomAD v4.1: 11 of 1,613,552 alleles (0.00068%); highest among the groups gnomAD compares: Admixed American, 0.0033%; no homozygotes.

Submission:

Labcorp Genetics (formerly Invitae), Labcorp
Classification: Uncertain significance. Last evaluated: 2022-05-15. Review status: criteria provided, single submitter. Criteria: Invitae Variant Classification Sherloc (09022015). Collection method: clinical testing. Allele origin: germline.
Comment: In summary, the available evidence is currently insufficient to determine the role of this variant in disease. Therefore, it has been classified as a Variant of Uncertain Significance. This sequence change replaces alanine, which is neutral and non-polar, with glycine, which is neutral and non-polar, at codon 940 of the NNT protein (p.Ala940Gly). This variant is present in population databases (rs754592626, gnomAD 0.009%). This variant has not been reported in the literature in individuals affected with NNT-related conditions. Algorithms developed to predict the effect of missense changes on protein structure and function (SIFT, PolyPhen-2, Align-GVGD) all suggest that this variant is likely to be disruptive.

NM_182977.3(NNT):c.2819C>G (p.Ala940Gly)

Gene: NNT (nicotinamide nucleotide transhydrogenase; plus strand). Cytogenetic location: 5p12.
Variant type: single nucleotide variant.
Coding change: c.2819C>G on transcript NM_182977.3 (MANE Select); coding-DNA position 2819, C replaced by G.
Protein change: p.Ala940Gly; replaces alanine 940 with glycine.
Molecular consequence: missense variant.
Genome position (GRCh38, 1-based): chr5:43,677,749, C>G. VCF-style: chr5-43677749-C-G. GRCh37 (hg19) VCF-style: chr5-43677851-C-G.
Other names: c.2426C>G, p.Ala809Gly (NM_001331026.2); c.2819C>G, p.Ala940Gly (NM_012343.4); short protein forms A809G, A940G.
Identifiers: ClinVar variation 2076089 (VCV002076089.2), dbSNP rs754592626, ClinGen allele CA3258336.
Genomic context (GRCh38, chr5:43,677,749, plus strand): 5'-AAACACATTCTTCTGTGTTCTTAATGTTCCTTGCAGGCTATGGTCTCTGTGCAGCCAAAG[C>G]TCAATACCCCATTGCTGATTTGGTAAAGATGCTCACTGAGCAAGGCAAAAAAGTCAGGTA-3'
Protein context (NP_892022.2, residues 930-950): TPGYGLCAAK[Ala940Gly]QYPIADLVKM